The following is an entry in ClinVar:

ClinVar aggregate classification (germline): Uncertain significance. Review status: criteria provided, multiple submitters, no conflicts (2 of 4 stars). 3 submissions from 3 submitters: Uncertain significance (3). Last evaluated 2024-08-27.

Conditions:
Inborn genetic diseases. Identifiers: MedGen C0950123, MeSH D030342.

Allele frequency attached by ClinVar (database versions not stated): gnomAD exomes 0.00002 and 0.00003; ExAC 0.00003; gnomAD 0.00003 and 0.00004; TOPMed 0.00003.
gnomAD v4.1: 28 of 1,613,636 alleles (0.0017%); highest among the groups gnomAD compares: Non-Finnish European, 0.0023%; no homozygotes.

Submissions (3):

Ambry Genetics
Classification: Uncertain significance for Inborn genetic diseases. Last evaluated: 2024-08-27. Review status: criteria provided, single submitter. Criteria: Ambry Variant Classification Scheme 2023. Collection method: clinical testing. Allele origin: germline.

GeneDx
Classification: Uncertain significance. Last evaluated: 2022-01-26. Review status: criteria provided, single submitter. Criteria: GeneDx Variant Classification Process June 2021. Collection method: clinical testing. Allele origin: germline. Affected: yes.
Comment: Not observed at significant frequency in large population cohorts (gnomAD); In silico analysis supports that this missense variant does not alter protein structure/function; Has not been previously published as pathogenic or benign to our knowledge

Labcorp Genetics (formerly Invitae), Labcorp
Classification: Uncertain significance. Last evaluated: 2021-11-30. Review status: criteria provided, single submitter. Criteria: Invitae Variant Classification Sherloc (09022015). Collection method: clinical testing. Allele origin: germline.
Comment: This sequence change replaces lysine, which is basic and polar, with glutamic acid, which is acidic and polar, at codon 250 of the LAMC3 protein (p.Lys250Glu). This variant is present in population databases (rs768143050, gnomAD 0.004%). This variant has not been reported in the literature in individuals affected with LAMC3-related conditions. Algorithms developed to predict the effect of missense changes on protein structure and function are either unavailable or do not agree on the potential impact of this missense change (SIFT: "Tolerated"; PolyPhen-2: "Possibly Damaging"; Align-GVGD: "Class C0"). In summary, the available evidence is currently insufficient to determine the role of this variant in disease. Therefore, it has been classified as a Variant of Uncertain Significance.

NM_006059.4(LAMC3):c.748A>G (p.Lys250Glu)

Gene: LAMC3 (laminin subunit gamma 3; plus strand). Cytogenetic location: 9q34.12.
Variant type: single nucleotide variant.
Coding change: c.748A>G on transcript NM_006059.4 (MANE Select); coding-DNA position 748, A replaced by G.
Protein change: p.Lys250Glu; replaces lysine 250 with glutamic acid.
Molecular consequence: missense variant.
Genome position (GRCh38, 1-based): chr9:131,032,114, A>G. VCF-style: chr9-131032114-A-G. GRCh37 (hg19) VCF-style: chr9-133907501-A-G.
Other names: short protein forms K250E.
Identifiers: ClinVar variation 1365092 (VCV001365092.5), dbSNP rs768143050, ClinGen allele CA5286798.
Genomic context (GRCh38, chr9:131,032,114, plus strand): 5'-ACCAGCACCGAACTCCTCATCTCTCTAGACCGGCTCAACACGTTTGGGGACGACATCTTC[A>G]AGGACCCCAAGGTGCTCCAGTCCTACTATTATGCCGTGTCCGACTTCTCTGTGGGCGGCA-3'
Protein context (NP_006050.3, residues 240-260): RLNTFGDDIF[Lys250Glu]DPKVLQSYYY